The following is an entry in ClinVar:

ClinVar aggregate classification (germline): Pathogenic/Likely pathogenic. Review status: criteria provided, multiple submitters, no conflicts (2 of 4 stars). 2 submissions from 2 submitters: Pathogenic (1); Likely pathogenic (1). Last evaluated 2026-01-09.

Conditions:
Dyskeratosis congenita. Identifiers: Orphanet 1775, MedGen C0265965, MONDO:0015780.
Dyskeratosis congenita, autosomal recessive 5 (DKCB5). Identifiers: MedGen C3554656, MONDO:0014076, OMIM 615190.
Pulmonary fibrosis and/or bone marrow failure, Telomere-related, 3. Also called: PULMONARY FIBROSIS AND/OR BONE MARROW FAILURE SYNDROME, TELOMERE-RELATED, 3. Identifiers: Orphanet 2032, MedGen C4225346, MONDO:0014613, OMIM 616373.

gnomAD v4.1: 3 of 1,575,478 alleles (0.00019%); highest among the groups gnomAD compares: South Asian, 0.0024%; no homozygotes.

Submissions (2):

Natera, Inc.
Classification: Likely pathogenic for Dyskeratosis congenita. Last evaluated: 2026-01-09. Review status: criteria provided, single submitter. Criteria: Natera Variant Classification Schema (03/2026). Collection method: clinical testing. Allele origin: germline.
Comment: The c.3682C>T variant in RTEL1 is a nonsense variant predicted to introduce a stop codon at amino acid 1228. This variant is expected to result in nonsense mediated decay, truncation, or a dysfunctional protein product. This variant is rare in the general population with a frequency below the threshold expected for the associated phenotype(s). Given the available evidence, this variant is classified as Likely Pathogenic.

Labcorp Genetics (formerly Invitae), Labcorp
Classification: Pathogenic for Dyskeratosis congenita, autosomal recessive 5; Pulmonary fibrosis and/or bone marrow failure, Telomere-related, 3. Last evaluated: 2025-06-15. Review status: criteria provided, single submitter. Criteria: Invitae Variant Classification Sherloc (09022015). Collection method: clinical testing. Allele origin: germline.
Comment: This sequence change creates a premature translational stop signal (p.Gln1204*) in the RTEL1 gene. It is expected to result in an absent or disrupted protein product. Loss-of-function variants in RTEL1 are known to be pathogenic (PMID: 23453664, 23959892, 25607374). This variant is present in population databases (no rsID available, gnomAD 0.008%). This variant has not been reported in the literature in individuals affected with RTEL1-related conditions. ClinVar contains an entry for this variant (Variation ID: 2945630). For these reasons, this variant has been classified as Pathogenic.

Literature cited by the submitters: PubMed 23453664 (cited by Labcorp Genetics (formerly Invitae), Labcorp); PubMed 23959892 (cited by Labcorp Genetics (formerly Invitae), Labcorp); PubMed 25607374 (cited by Labcorp Genetics (formerly Invitae), Labcorp).

NM_001283009.2(RTEL1):c.3610C>T (p.Gln1204Ter)

Genes: RTEL1-TNFRSF6B (RTEL1-TNFRSF6B readthrough (NMD candidate); plus strand), RTEL1 (regulator of telomere elongation helicase 1; plus strand). Cytogenetic location: 20q13.33.
Variant type: single nucleotide variant.
Coding change: c.3610C>T on transcript NM_001283009.2 (MANE Select); coding-DNA position 3610, C replaced by T.
Protein change: p.Gln1204Ter; replaces glutamine 1204 with a stop codon.
Molecular consequence: nonsense. On other transcripts: non-coding transcript variant (1).
Genome position (GRCh38, 1-based): chr20:63,695,438, C>T. VCF-style: chr20-63695438-C-T. GRCh37 (hg19) VCF-style: chr20-62326791-C-T.
Other names: c.2941C>T, p.Gln981Ter (NM_001283010.1); c.3610C>T, p.Gln1204Ter (NM_016434.4); c.3682C>T, p.Gln1228Ter (NM_032957.5); c.3682C>T (NM_032957.4); short protein forms Q981*, Q1204*, Q1228*.
Identifiers: ClinVar variation 2945630 (VCV002945630.5), dbSNP rs1373020489, ClinGen allele CA409686354.